The following is an entry in ClinVar:

ClinVar aggregate classification (germline): Uncertain significance (1 of 4 stars; one submission).

Submission:

Dasa
Classification: Uncertain significance. Last evaluated: 2026-01-26. Review status: criteria provided, single submitter. Criteria: DASA Assertion Criteria. Collection method: clinical testing. Allele origin: germline.
Comment: NM_005908.4(MANBA):c.961-5605del is an intronic variant. This variant is rare in population databases. The currently available literature and clinical evidence are not sufficient to establish a definitive association between this variant and the reported condition. Therefore, this variant is classified as a variant of uncertain significance.

NM_005908.4(MANBA):c.961-5605del

Gene: MANBA (mannosidase beta; minus strand). Cytogenetic location: 4q24.
Variant type: Deletion.
Coding change: c.961-5605del on transcript NM_005908.4 (MANE Select); 5605 bases into the intron before coding-DNA position 961, one base deleted (C; older notation c.961-5605delC).
Molecular consequence: intron variant.
Genome position (GRCh38, 1-based): chr4:102,679,675, G deleted on the plus strand (C on the coding strand, the reverse complement: MANBA is on the minus strand); the first of 3 consecutive G bases (chr4:102,679,675-102,679,677); deleting any one gives the same sequence. VCF-style (leftmost placement, unchanged base first): chr4-102679674-AG-A. GRCh37 (hg19) VCF-style: chr4-103600831-AG-A.
Identifiers: ClinVar variation 4886247 (VCV004886247.2).